The following is an entry in ClinVar:

ClinVar aggregate classification (germline): Uncertain significance (1 of 4 stars; one submission).

Conditions:
Immunodeficiency 18 (IMD18). Also called: CD3epsilon deficiency; CD3-EPSILON DEFICIENCY. Identifiers: MedGen C3810127, MONDO:0014278, OMIM 615615.

Allele frequency attached by ClinVar (database versions not stated): gnomAD exomes below 0.00001; TOPMed below 0.00001.
gnomAD v4.1: 2 of 1,611,932 alleles (0.00012%); highest among the groups gnomAD compares: Admixed American, 0.0033%; no homozygotes.

Submission:

Labcorp Genetics (formerly Invitae), Labcorp
Classification: Uncertain significance for Immunodeficiency 18. Last evaluated: 2025-02-19. Review status: criteria provided, single submitter. Criteria: Invitae Variant Classification Sherloc (09022015). Collection method: clinical testing. Allele origin: germline.
Comment: This sequence change replaces glutamine, which is neutral and polar, with histidine, which is basic and polar, at codon 33 of the CD3E protein (p.Gln33His). This variant is not present in population databases (gnomAD no frequency). This variant has not been reported in the literature in individuals affected with CD3E-related conditions. ClinVar contains an entry for this variant (Variation ID: 1041496). An algorithm developed to predict the effect of missense changes on protein structure and function outputs the following: PolyPhen-2: "Benign". The histidine amino acid residue is found in multiple mammalian species, which suggests that this missense change does not adversely affect protein function. In summary, the available evidence is currently insufficient to determine the role of this variant in disease. Therefore, it has been classified as a Variant of Uncertain Significance.

NM_000733.4(CD3E):c.99G>C (p.Gln33His)

Gene: CD3E (CD3 epsilon subunit of T-cell receptor complex; plus strand). Cytogenetic location: 11q23.3.
Variant type: single nucleotide variant.
Coding change: c.99G>C on transcript NM_000733.4 (MANE Select); coding-DNA position 99, G replaced by C.
Protein change: p.Gln33His; replaces glutamine 33 with histidine.
Molecular consequence: missense variant.
Genome position (GRCh38, 1-based): chr11:118,312,166, G>C. VCF-style: chr11-118312166-G-C. GRCh37 (hg19) VCF-style: chr11-118182881-G-C.
Other names: short protein forms Q33H.
Identifiers: ClinVar variation 1041496 (VCV001041496.5), dbSNP rs1948139036, ClinGen allele CA382781555.